The following is an entry in ClinVar:

NM_001379110.1(SLC9A6):c.196T>C (p.Tyr66His)

Gene: SLC9A6 (solute carrier family 9 member A6; plus strand). Cytogenetic location: Xq26.3.
Variant type: single nucleotide variant.
Coding change: c.196T>C on transcript NM_001379110.1 (MANE Select); coding-DNA position 196, T replaced by C.
Protein change: p.Tyr66His; replaces tyrosine 66 with histidine.
Molecular consequence: missense variant.
Genome position (GRCh38, 1-based): chrX:135,994,812, T>C. VCF-style: chrX-135994812-T-C. GRCh37 (hg19) VCF-style: chrX-135076971-T-C.
Other names: c.352T>C, p.Tyr118His (NM_001042537.2, NM_001438742.1, NM_006359.3); c.196T>C, p.Tyr66His (NM_001177651.2, NM_001330652.2, NM_001400909.1 and 4 more transcripts); short protein forms Y118H, Y66H.
Identifiers: ClinVar variation 4798765 (VCV004798765.1).

ClinVar aggregate classification (germline): Uncertain significance (1 of 4 stars; one submission).

Conditions:
Christianson syndrome (MRXSCH). Also called: X-linked mental retardation, syndromic, Christianson type; SLC9A6-Related Syndromic Mental Retardation; INTELLECTUAL DEVELOPMENTAL DISORDER, X-LINKED, SYNDROMIC, CHRISTIANSON TYPE. Identifiers: Orphanet 85278, MedGen C2678194, MONDO:0010278, OMIM 300243.

Submission:

Labcorp Genetics (formerly Invitae), Labcorp
Classification: Uncertain significance for Christianson syndrome. Last evaluated: 2025-02-06. Review status: criteria provided, single submitter. Criteria: Invitae Variant Classification Sherloc (09022015). Collection method: clinical testing. Allele origin: germline.
Comment: This sequence change replaces tyrosine, which is neutral and polar, with histidine, which is basic and polar, at codon 118 of the SLC9A6 protein (p.Tyr118His). This variant is not present in population databases (gnomAD no frequency). This variant has not been reported in the literature in individuals affected with SLC9A6-related conditions. Invitae Evidence Modeling of protein sequence and biophysical properties (such as structural, functional, and spatial information, amino acid conservation, physicochemical variation, residue mobility, and thermodynamic stability) has been performed for this missense variant. However, the output from this modeling did not meet the statistical confidence thresholds required to predict the impact of this variant on SLC9A6 protein function. In summary, the available evidence is currently insufficient to determine the role of this variant in disease. Therefore, it has been classified as a Variant of Uncertain Significance.